The following is an entry in ClinVar:

NM_001291415.2(KDM6A):c.1295C>T (p.Thr432Ile)

Gene: KDM6A (lysine demethylase 6A; plus strand). Cytogenetic location: Xp11.3.
Variant type: single nucleotide variant.
Coding change: c.1295C>T on transcript NM_001291415.2 (MANE Select); coding-DNA position 1295, C replaced by T.
Protein change: p.Thr432Ile; replaces threonine 432 with isoleucine.
Molecular consequence: missense variant. On other transcripts: intron variant (6).
Genome position (GRCh38, 1-based): chrX:45,060,122, C>T. VCF-style: chrX-45060122-C-T. GRCh37 (hg19) VCF-style: chrX-44919367-C-T.
Other names: c.1295C>T, p.Thr432Ile (NM_021140.4, NM_001410742.1, NM_001419809.1 and 4 more transcripts); c.1195-487C>T (NM_001419811.1, NM_001291416.2); c.1194+656C>T (NM_001291417.2, NM_001419815.1, NM_001291418.2); c.441+656C>T (NM_001291421.2); short protein forms T432I.
Identifiers: ClinVar variation 4746666 (VCV004746666.1).

ClinVar aggregate classification (germline): Uncertain significance (1 of 4 stars; one submission).

Conditions:
Kabuki syndrome 2 (KABUK2). Also called: KDM6A-Related Kabuki Syndrome. Identifiers: Orphanet 2322, MedGen C3275495, MONDO:0010465, OMIM 300867.

Submission:

Labcorp Genetics (formerly Invitae), Labcorp
Classification: Uncertain significance for Kabuki syndrome 2. Last evaluated: 2025-12-01. Review status: criteria provided, single submitter. Criteria: Invitae Variant Classification Sherloc (09022015). Collection method: clinical testing. Allele origin: germline.
Comment: This sequence change replaces threonine, which is neutral and polar, with isoleucine, which is neutral and non-polar, at codon 432 of the KDM6A protein (p.Thr432Ile). This variant is not present in population databases (gnomAD no frequency). This variant has not been reported in the literature in individuals affected with KDM6A-related conditions. Invitae Evidence Modeling of protein sequence and biophysical properties (such as structural, functional, and spatial information, amino acid conservation, physicochemical variation, residue mobility, and thermodynamic stability) indicates that this missense variant is not expected to disrupt KDM6A protein function with a negative predictive value of 80%. In summary, the available evidence is currently insufficient to determine the role of this variant in disease. Therefore, it has been classified as a Variant of Uncertain Significance.